The following is an entry in ClinVar:

ClinVar aggregate classification (germline): Uncertain significance (1 of 4 stars; one submission).

Conditions:
SIM1-related disorder. Also called: SIM1-related disorders; SIM1-related condition.

gnomAD v4.1: 6 of 1,614,024 alleles (0.00037%); highest among the groups gnomAD compares: African/African-American, 0.004%; no homozygotes.

Submission:

PreventionGenetics, part of Exact Sciences
Classification: Uncertain significance for SIM1-related condition. Last evaluated: 2026-08-06. Review status: criteria provided, single submitter. Criteria: ACMG Guidelines, 2015. Collection method: clinical testing. Allele origin: germline.
Comment: The SIM1 c.1888T>C variant is predicted to result in the amino acid substitution p.Cys630Arg. To our knowledge, this variant has not been reported in the literature. This variant is reported in 0.0062% of alleles in individuals of African descent in gnomAD. At this time, the clinical significance of this variant is uncertain due to the absence of conclusive functional and genetic evidence.

NM_005068.3(SIM1):c.1888T>C (p.Cys630Arg)

Gene: SIM1 (SIM bHLH transcription factor 1; minus strand). Cytogenetic location: 6q16.3.
Variant type: single nucleotide variant.
Coding change: c.1888T>C on transcript NM_005068.3 (MANE Select); coding-DNA position 1888, T replaced by C.
Protein change: p.Cys630Arg; replaces cysteine 630 with arginine.
Molecular consequence: missense variant.
Genome position (GRCh38, 1-based): chr6:100,390,774, A>G on the plus strand (T>C on the coding strand, the complement: SIM1 is on the minus strand). VCF-style: chr6-100390774-A-G. GRCh37 (hg19) VCF-style: chr6-100838650-A-G.
Other names: c.1888T>C, p.Cys630Arg (NM_001374769.1); short protein forms C630R.
Identifiers: ClinVar variation 4985581 (VCV004985581.1).